The following is an entry in ClinVar:

NM_007294.4(BRCA1):c.3087_3100dup (p.Asn1034fs)

Gene: BRCA1 (BRCA1 DNA repair associated; minus strand). Cytogenetic location: 17q21.31.
Variant type: Duplication.
Coding change: c.3087_3100dup on transcript NM_007294.4 (MANE Select); coding-DNA positions 3087 to 3100, 14 bases duplicated (TAACATTAGAGAAA).
Protein change: p.Asn1034fs; shifts the reading frame from asparagine 1034.
Molecular consequence: frameshift variant. On other transcripts: intron variant (137).
Genome position (GRCh38, 1-based): chr17:43,092,431-43,092,444, TTTCTCTAATGTTA duplicated on the plus strand (TAACATTAGAGAAA on the coding strand, the reverse complement: BRCA1 is on the minus strand); duplicating any 14 consecutive bases within chr17:43,092,431-43,092,446 gives the same sequence; the c. name uses the placement nearest the transcript's 3' end. VCF-style (leftmost placement, unchanged base first): chr17-43092430-T-TTTTCTCTAATGTTA. GRCh37 (hg19) VCF-style: chr17-41244447-T-TTTTCTCTAATGTTA.
Other names: 3206dup14; 3219ins14; c.3087_3100dup, p.Asn1034fs (NM_007294.3, NM_001407581.1, NM_001407582.1 and 31 more transcripts); c.2874_2887dup, p.Asn963fs (NM_001407571.1, NM_001407853.1, NM_001407894.1 and 9 more transcripts); c.3084_3097dup, p.Asn1033fs (NM_001407587.1, NM_001407590.1, NM_001407591.1 and 22 more transcripts); c.3009_3022dup, p.Asn1008fs (NM_001407654.1, NM_001407655.1, NM_001407656.1 and 4 more transcripts); c.3006_3019dup, p.Asn1007fs (NM_001407659.1, NM_001407660.1, NM_001407661.1 and 1 more transcripts); c.2961_2974dup, p.Asn992fs (NM_001407670.1, NM_001407671.1, NM_001407672.1 and 11 more transcripts); and 43 more; short protein forms N987fs, N1034fs, N1031fs, N866fs, N946fs, N1033fs, N738fs, N906fs.
Identifiers: ClinVar variation 266333 (VCV000266333.6), dbSNP rs80357967, ClinGen allele CA002030.

ClinVar aggregate classification (germline): Pathogenic. Review status: reviewed by expert panel (3 of 4 stars). 3 submissions from 3 submitters: Pathogenic (1). 2 of the submissions do not count toward it. Last evaluated 2016-10-18.

Conditions:
Breast-ovarian cancer, familial, susceptibility to, 1 (BROVCA1). Also called: BRCA1 Hereditary Breast and Ovarian Cancer; OVARIAN CANCER, SUSCEPTIBILITY TO. Identifiers: Orphanet 145, MedGen C2676676, MONDO:0011450, OMIM 604370. Disease mechanism: loss of function.

Submissions (3):

Evidence-based Network for the Interpretation of Germline Mutant Alleles (ENIGMA)
Classification: Pathogenic for Breast-ovarian cancer, familial, susceptibility to, 1. Last evaluated: 2016-10-18. Review status: reviewed by expert panel. Criteria: ENIGMA BRCA1/2 Classification Criteria (2015). Collection method: curation. Allele origin: germline.
Comment: Variant allele predicted to encode a truncated non-functional protein.

Consortium of Investigators of Modifiers of BRCA1/2 (CIMBA), c/o University of Cambridge
Classification: Pathogenic for Breast-ovarian cancer, familial, susceptibility to, 1. Last evaluated: 2015-10-02. Review status: criteria provided, single submitter. Criteria: CIMBA Mutation Classification guidelines May 2016. Collection method: clinical testing. Allele origin: germline. Not counted in ClinVar's aggregate classification.

Breast Cancer Information Core (BIC) (BRCA1)
Classification: Pathogenic for Breast-ovarian cancer, familial 1. Last evaluated: 2007-01-18. Review status: no assertion criteria provided. Collection method: clinical testing. Allele origin: germline. Affected: yes. Observed: 1 variant allele. Not counted in ClinVar's aggregate classification.